The following is an entry in ClinVar:

ClinVar aggregate classification (germline): Benign (1 of 4 stars; one submission).

Conditions:
Autosomal recessive osteopetrosis 5. Identifiers: Orphanet 85179, MedGen C1968603, MONDO:0009817, OMIM 259720.

Allele frequency attached by ClinVar (database versions not stated): gnomAD 0.03750 and 0.04059; TOPMed 0.05310; 1000 Genomes Project 0.07568; 1000 Genomes Project 30x 0.07901.

Submission:

Illumina Laboratory Services, Illumina
Classification: Benign for Autosomal recessive osteopetrosis 5. Last evaluated: 2018-01-13. Review status: criteria provided, single submitter. Criteria: ICSL Variant Classification Criteria 13 December 2019. Collection method: clinical testing. Allele origin: germline.
Comment: This variant was observed in the ICSL laboratory as part of a predisposition screen in an ostensibly healthy population. It had not been previously curated by ICSL or reported in the Human Gene Mutation Database (HGMD: prior to June 1st, 2018), and was therefore a candidate for classification through an automated scoring system. Utilizing variant allele frequency, disease prevalence and penetrance estimates, and inheritance mode, an automated score was calculated to assess if this variant is too frequent to cause the disease. Based on the score and internal cut-off values, a variant classified as benign is not then subjected to further curation. The score for this variant resulted in a classification of benign for this disease.

NM_014028.4(OSTM1):c.*2053C>T

Gene: OSTM1 (osteoclastogenesis associated transmembrane protein 1; minus strand). Cytogenetic location: 6q21.
Variant type: single nucleotide variant.
Coding change: c.*2053C>T on transcript NM_014028.4 (MANE Select); 2053 bases downstream of the stop codon, C replaced by T.
Molecular consequence: 3 prime UTR variant.
Genome position (GRCh38, 1-based): chr6:108,042,732, G>A on the plus strand (C>T on the coding strand, the complement: OSTM1 is on the minus strand). VCF-style: chr6-108042732-G-A. GRCh37 (hg19) VCF-style: chr6-108363936-G-A.
Identifiers: ClinVar variation 354951 (VCV000354951.5), dbSNP rs17069215, ClinGen allele CA10625665.
Genomic context (GRCh38, chr6:108,042,732, plus strand): 5'-AAAGTGCTGCAAATACAGGTATGAGACACTGTGTCCAGCTGATGGTACTCATAAAAGTAG[G>A]CATCTAAACTCAATACCTGAAAAACAAATGTGATGTTAAATTACATCTGAAATTTTAAAA-3'